The following is an entry in ClinVar:

ClinVar aggregate classification (germline): Uncertain significance. Review status: criteria provided, multiple submitters, no conflicts (2 of 4 stars). 2 submissions from 2 submitters: Uncertain significance (2). Last evaluated 2026-06-09.

Conditions:
Cardiovascular phenotype. Identifiers: MedGen CN230736.

gnomAD v4.1: 11 of 1,614,062 alleles (0.00068%); highest among the groups gnomAD compares: Non-Finnish European, 0.00093%; no homozygotes.

Submissions (2):

Ambry Genetics
Classification: Uncertain significance for Cardiovascular phenotype. Last evaluated: 2026-06-09. Review status: criteria provided, single submitter. Criteria: Ambry Variant Classification Scheme 2023. Collection method: clinical testing. Allele origin: germline.
Comment: The p.C124Y variant (also known as c.371G>A), located in coding exon 8 of the MFAP5 gene, results from a G to A substitution at nucleotide position 371. The cysteine at codon 124 is replaced by tyrosine, an amino acid with highly dissimilar properties. This amino acid position is conserved. In addition, this alteration is predicted to be deleterious by in silico analysis. Based on the available evidence, the clinical significance of this variant remains unclear.

Labcorp Genetics (formerly Invitae), Labcorp
Classification: Uncertain significance. Last evaluated: 2024-12-16. Review status: criteria provided, single submitter. Criteria: Invitae Variant Classification Sherloc (09022015). Collection method: clinical testing. Allele origin: germline.
Comment: This sequence change replaces cysteine, which is neutral and slightly polar, with tyrosine, which is neutral and polar, at codon 124 of the MFAP5 protein (p.Cys124Tyr). This variant is present in population databases (no rsID available, gnomAD 0.0009%). This variant has not been reported in the literature in individuals affected with MFAP5-related conditions. ClinVar contains an entry for this variant (Variation ID: 3005470). An algorithm developed to predict the effect of missense changes on protein structure and function (PolyPhen-2) suggests that this variant is likely to be disruptive. In summary, the available evidence is currently insufficient to determine the role of this variant in disease. Therefore, it has been classified as a Variant of Uncertain Significance.

NM_003480.4(MFAP5):c.371G>A (p.Cys124Tyr)

Gene: MFAP5 (microfibril associated protein 5; minus strand). Cytogenetic location: 12p13.31.
Variant type: single nucleotide variant.
Coding change: c.371G>A on transcript NM_003480.4 (MANE Select); coding-DNA position 371, G replaced by A.
Protein change: p.Cys124Tyr; replaces cysteine 124 with tyrosine.
Molecular consequence: missense variant. On other transcripts: non-coding transcript variant (2), intron variant (1).
Genome position (GRCh38, 1-based): chr12:8,649,539, C>T on the plus strand (G>A on the coding strand, the complement: MFAP5 is on the minus strand). VCF-style: chr12-8649539-C-T. GRCh37 (hg19) VCF-style: chr12-8802135-C-T.
Other names: c.371G>A (NM_003480.2); c.341G>A, p.Cys114Tyr (NM_001297709.2); c.305G>A, p.Cys102Tyr (NM_001297710.2); c.296G>A, p.Cys99Tyr (NM_001297711.2); c.218-1336G>A (NM_001297712.2); short protein forms C124Y, C102Y, C114Y, C99Y.
Identifiers: ClinVar variation 3005470 (VCV003005470.4), dbSNP rs1200077591, ClinGen allele CA384038904.